The following is an entry in ClinVar:

ClinVar aggregate classification (germline): Uncertain significance (1 of 4 stars; one submission).

Submission:

Labcorp Genetics (formerly Invitae), Labcorp
Classification: Uncertain significance. Last evaluated: 2024-05-31. Review status: criteria provided, single submitter. Criteria: Invitae Variant Classification Sherloc (09022015). Collection method: clinical testing. Allele origin: germline.
Comment: This sequence change replaces serine, which is neutral and polar, with phenylalanine, which is neutral and non-polar, at codon 501 of the COL10A1 protein (p.Ser501Phe). This variant is not present in population databases (gnomAD no frequency). This variant has not been reported in the literature in individuals affected with COL10A1-related conditions. Advanced modeling of protein sequence and biophysical properties (such as structural, functional, and spatial information, amino acid conservation, physicochemical variation, residue mobility, and thermodynamic stability) performed at Invitae indicates that this missense variant is not expected to disrupt COL10A1 protein function with a negative predictive value of 80%. In summary, the available evidence is currently insufficient to determine the role of this variant in disease. Therefore, it has been classified as a Variant of Uncertain Significance.

NM_000493.4(COL10A1):c.1502C>T (p.Ser501Phe)

Genes: COL10A1 (collagen type X alpha 1 chain; minus strand), NT5DC1 (5'-nucleotidase domain containing 1; plus strand). Cytogenetic location: 6q22.1.
Variant type: single nucleotide variant.
Coding change: c.1502C>T on transcript NM_000493.4 (MANE Select); coding-DNA position 1502, C replaced by T.
Protein change: p.Ser501Phe; replaces serine 501 with phenylalanine.
Molecular consequence: missense variant. On other transcripts: intron variant (1).
Genome position (GRCh38, 1-based): chr6:116,120,614, G>A on the plus strand (C>T on the coding strand, the complement: COL10A1 is on the minus strand). VCF-style: chr6-116120614-G-A. GRCh37 (hg19) VCF-style: chr6-116441777-G-A.
Other names: c.1502C>T, p.Ser501Phe (NM_001424106.1, NM_001424107.1); c.529+2669G>A (NM_152729.3); short protein forms S501F.
Identifiers: ClinVar variation 3687276 (VCV003687276.2).